The following is an entry in ClinVar:

NM_001008212.2(OPTN):c.21_22delinsGG (p.Ser7_Cys8delinsArgGly)

Genes: OPTN (optineurin; plus strand), LOC108903148 (10p13 OPTN distal Alu-mediated recombination region; plus strand). Cytogenetic location: 10p13.
Variant type: Indel.
Coding change: c.21_22delinsGG on transcript NM_001008212.2 (MANE Select); coding-DNA positions 21 to 22, CT replaced by GG.
Protein change: p.Ser7_Cys8delinsArgGly.
Molecular consequence: missense variant.
Genome position (GRCh38, 1-based): chr10:13,109,143-13,109,144, CT replaced by GG. VCF-style: chr10-13109143-CT-GG. GRCh37 (hg19) VCF-style: chr10-13151143-CT-GG.
Other names: c.21_22delinsGG, p.Ser7_Cys8delinsArgGly (NM_001008211.1, NM_001008213.1, NM_021980.4).
Identifiers: ClinVar variation 2574894 (VCV002574894.1), dbSNP rs2539033376, ClinGen allele CA2580615431.

ClinVar aggregate classification (germline): Uncertain significance (1 of 4 stars; one submission).

Submission:

GeneDx
Classification: Uncertain significance. Last evaluated: 2023-02-03. Review status: criteria provided, single submitter. Criteria: GeneDx Variant Classification Process June 2021. Collection method: clinical testing. Allele origin: germline. Affected: yes.
Comment: In-frame deletion of 2 amino acids and insertion of 2 incorrect residues in a non-repeat region; In silico analysis supports that this variant does not alter protein structure/function; Has not been previously published as pathogenic or benign to our knowledge